The following is an entry in ClinVar:

ClinVar aggregate classification (germline): Benign/Likely benign. Review status: criteria provided, multiple submitters, no conflicts (2 of 4 stars). 3 submissions from 3 submitters: Benign (1); Likely benign (2). Last evaluated 2026-06-01.

Allele frequency attached by ClinVar (database versions not stated): gnomAD exomes 0.00002; ExAC 0.00003; gnomAD 0.00003; TOPMed 0.00004.
gnomAD v4.1: 40 of 1,613,186 alleles (0.0025%); highest among the groups gnomAD compares: Non-Finnish European, 0.0028%; no homozygotes.

Submissions (3):

CeGaT Center for Human Genetics Tuebingen
Classification: Likely benign. Last evaluated: 2026-06-01. Review status: criteria provided, single submitter. Criteria: CeGaT Center For Human Genetics Tuebingen Variant Classification Criteria Version 2. Collection method: clinical testing. Allele origin: germline. Affected: yes. Observed: 1 variant allele.
Comment: DLL4: BP4, BP7

Laboratory of Genetics, Children's Clinical University Hospital Latvia
Classification: Benign. Last evaluated: 2025-02-16. Review status: criteria provided, single submitter. Criteria: ACMG Guidelines, 2015. Collection method: clinical testing. Allele origin: germline. Affected: yes.

Labcorp Genetics (formerly Invitae), Labcorp
Classification: Likely benign. Last evaluated: 2022-05-13. Review status: criteria provided, single submitter. Criteria: Invitae Variant Classification Sherloc (09022015). Collection method: clinical testing. Allele origin: germline.

NM_019074.4(DLL4):c.1197C>T (p.Cys399=)

Gene: DLL4 (delta like canonical Notch ligand 4; plus strand). Cytogenetic location: 15q15.1.
Variant type: single nucleotide variant.
Coding change: c.1197C>T on transcript NM_019074.4 (MANE Select); coding-DNA position 1197, C replaced by T.
Protein change: p.Cys399=; no amino-acid change (cysteine 399 retained).
Molecular consequence: synonymous variant.
Genome position (GRCh38, 1-based): chr15:40,935,074, C>T. VCF-style: chr15-40935074-C-T. GRCh37 (hg19) VCF-style: chr15-41227272-C-T.
Identifiers: ClinVar variation 2421324 (VCV002421324.10), dbSNP rs755525514, ClinGen allele CA7487873.
Genomic context (GRCh38, chr15:40,935,074, plus strand): 5'-GCGCAACCAGGGGGCCAACTATGCTTGTGAATGTCCCCCCAACTTCACCGGCTCCAACTG[C>T]GAGAAGAAAGTGGACAGGTGCACCAGCAACCCCTGTGCCAACGGTGCGTGCTGCTGCCCT-3'
Protein context (NP_061947.1, residues 389-409): ECPPNFTGSN[Cys399=]EKKVDRCTSN